The following is an entry in ClinVar:

ClinVar aggregate classification (germline): Likely pathogenic (1 of 4 stars; one submission).

Conditions:
Dilated cardiomyopathy 1G (CMD1G). Identifiers: Orphanet 154, MedGen C1858763, MONDO:0011400, OMIM 604145.
Autosomal recessive limb-girdle muscular dystrophy type 2J (LGMDR10). Also called: Limb-girdle muscular dystrophy, type 2J; MUSCULAR DYSTROPHY, LIMB-GIRDLE, AUTOSOMAL RECESSIVE 10. Identifiers: Orphanet 140922, MedGen C1837342, MONDO:0012127, OMIM 608807.

Submission:

Labcorp Genetics (formerly Invitae), Labcorp
Classification: Likely pathogenic for Dilated cardiomyopathy 1G; Autosomal recessive limb-girdle muscular dystrophy type 2J. Last evaluated: 2025-03-30. Review status: criteria provided, single submitter. Criteria: Invitae Variant Classification Sherloc (09022015). Collection method: clinical testing. Allele origin: germline.
Comment: This sequence change creates a premature translational stop signal (p.Lys27981Serfs*15) in the TTN gene. While this is not anticipated to result in nonsense mediated decay, it is expected to create a truncated TTN protein. This variant is not present in population databases (gnomAD no frequency). This variant has not been reported in the literature in individuals affected with TTN-related conditions. This variant is located in the A band of TTN (PMID: 25589632). Truncating variants in this region are significantly overrepresented in patients affected with dilated cardiomyopathy (PMID: 25589632). Truncating variants in this region have also been reported in individuals affected with autosomal recessive centronuclear myopathy (PMID: 23975875). In summary, the currently available evidence indicates that the variant is pathogenic, but additional data are needed to prove that conclusively. Therefore, this variant has been classified as Likely Pathogenic.

Literature cited by the submitters: PubMed 25589632; PubMed 23975875.

NM_001267550.2(TTN):c.83940_83941insTC (p.Lys27981fs)

Genes: TTN-AS1 (TTN antisense RNA 1; plus strand), TTN (titin; minus strand). Cytogenetic location: 2q31.2.
Variant type: Insertion.
Coding change: c.83940_83941insTC on transcript NM_001267550.2 (MANE Select); coding-DNA positions 83940 to 83941, TC inserted.
Protein change: p.Lys27981fs; shifts the reading frame from lysine 27981.
Molecular consequence: frameshift variant.
Genome position: GRCh38 VCF-style: chr2-178562191-T-TGA. GRCh37 (hg19) VCF-style: chr2-179426918-T-TGA.
Other names: c.79017_79018insTC, p.Lys26340fs (NM_001256850.1); c.56745_56746insTC, p.Lys18916fs (NM_003319.4); c.76236_76237insTC, p.Lys25413fs (NM_133378.4); c.57120_57121insTC, p.Lys19041fs (NM_133432.3); c.57321_57322insTC, p.Lys19108fs (NM_133437.4); short protein forms K25413fs, K27981fs, K26340fs, K18916fs, K19041fs, K19108fs.
Identifiers: ClinVar variation 4784208 (VCV004784208.1).